The following is an entry in ClinVar:

NM_007294.4(BRCA1):c.4759_4760insA (p.Ser1587fs)

Gene: BRCA1 (BRCA1 DNA repair associated; minus strand). Cytogenetic location: 17q21.31.
Variant type: Insertion.
Coding change: c.4759_4760insA on transcript NM_007294.4 (MANE Select); coding-DNA positions 4759 to 4760, A inserted.
Protein change: p.Ser1587fs; shifts the reading frame from serine 1587.
Molecular consequence: frameshift variant. On other transcripts: non-coding transcript variant (1).
Genome position: GRCh38 VCF-style: chr17-43071154-G-GT. GRCh37 (hg19) VCF-style: chr17-41223171-G-GT.
Other names: c.4633_4634insA, p.Ser1545Tyrfs (NM_001407863.1, NM_001407939.1, NM_001407940.1 and 11 more transcripts); c.4552_4553insA, p.Ser1518Tyrfs (NM_001407874.1, NM_001407875.1); c.4549_4550insA, p.Ser1517Tyrfs (NM_001407879.1, NM_001407881.1, NM_001407882.1 and 5 more transcripts); c.4546_4547insA, p.Ser1516Tyrfs (NM_001407894.1, NM_001407895.1, NM_001407896.1 and 12 more transcripts); c.4543_4544insA, p.Ser1515Tyrfs (NM_001407915.1, NM_001407916.1, NM_001407917.1 and 1 more transcripts); c.4636_4637insA, p.Ser1546Tyrfs (NM_001407919.1, NM_001407937.1, NM_001407938.1 and 6 more transcripts); c.4495_4496insA, p.Ser1499Tyrfs (NM_001407920.1, NM_001407921.1, NM_001407922.1 and 4 more transcripts); c.4492_4493insA, p.Ser1498Tyrfs (NM_001407927.1, NM_001407928.1, NM_001407929.1 and 4 more transcripts); and 73 more; short protein forms S1540fs, S1608fs, S483fs, S1587fs.
Identifiers: ClinVar variation 548258 (VCV000548258.2), dbSNP rs1555580980, ClinGen allele CA658825008.
Genomic context (GRCh38, chr17:43,071,154, plus strand): 5'-ACTTTCAATTGGGGAACTTTCAATGCAGAGGTTGAAGATGGTATGTTGCCAACACGAGCT[G>GT]ACTCTGGGGCTCTGTCTTCAGAAGGATCAGATTCAGGGTCATCAGAGAAGAGGCTGATTC-3'

ClinVar aggregate classification (germline): Pathogenic (3 of 4 stars; one submission).

Conditions:
Breast-ovarian cancer, familial, susceptibility to, 1 (BROVCA1). Also called: BRCA1 Hereditary Breast and Ovarian Cancer; OVARIAN CANCER, SUSCEPTIBILITY TO. Identifiers: Orphanet 145, MedGen C2676676, MONDO:0011450, OMIM 604370. Disease mechanism: loss of function.

Submission:

Evidence-based Network for the Interpretation of Germline Mutant Alleles (ENIGMA)
Classification: Pathogenic for Breast-ovarian cancer, familial, susceptibility to, 1. Last evaluated: 2017-12-15. Review status: reviewed by expert panel. Criteria: ENIGMA BRCA1/2 Classification Criteria (2017-06-29). Collection method: curation. Allele origin: germline. Study: ENIGMA.
Comment: Variant allele predicted to encode a truncated non-functional protein.